The following is an entry in ClinVar:

ClinVar aggregate classification (germline): Uncertain significance. Review status: criteria provided, multiple submitters, no conflicts (2 of 4 stars). 4 submissions from 4 submitters: Uncertain significance (4). Last evaluated 2024-12-06.

Conditions:
Hereditary spastic paraplegia 73. Also called: Spastic paraplegia 73, autosomal dominant. Identifiers: Orphanet 444099, MedGen C5568981, MONDO:0014568, OMIM 616282.

Allele frequency attached by ClinVar (database versions not stated): TOPMed 0.00005; gnomAD 0.00006; ESP Exome Variant Server 0.00008.
gnomAD v4.1: 90 of 1,613,874 alleles (0.0056%); highest among the groups gnomAD compares: Middle Eastern, 0.12%; no homozygotes.

Submissions (4):

Labcorp Genetics (formerly Invitae), Labcorp
Classification: Uncertain significance for Hereditary spastic paraplegia 73. Last evaluated: 2024-12-06. Review status: criteria provided, single submitter. Criteria: Invitae Variant Classification Sherloc (09022015). Collection method: clinical testing. Allele origin: germline.
Comment: This sequence change replaces arginine, which is basic and polar, with histidine, which is basic and polar, at codon 277 of the CPT1C protein (p.Arg277His). This variant is present in population databases (rs143361095, gnomAD 0.01%). This variant has not been reported in the literature in individuals affected with CPT1C-related conditions. ClinVar contains an entry for this variant (Variation ID: 808619). Invitae Evidence Modeling of protein sequence and biophysical properties (such as structural, functional, and spatial information, amino acid conservation, physicochemical variation, residue mobility, and thermodynamic stability) indicates that this missense variant is not expected to disrupt CPT1C protein function with a negative predictive value of 80%. In summary, the available evidence is currently insufficient to determine the role of this variant in disease. Therefore, it has been classified as a Variant of Uncertain Significance.

Ambry Genetics
Classification: Uncertain significance. Last evaluated: 2023-02-14. Review status: criteria provided, single submitter. Criteria: Ambry Variant Classification Scheme 2023. Collection method: clinical testing. Allele origin: germline.

CeGaT Center for Human Genetics Tuebingen
Classification: Uncertain significance. Last evaluated: 2017-03-01. Review status: criteria provided, single submitter. Criteria: CeGaT Center For Human Genetics Tuebingen Variant Classification Criteria Version 2. Collection method: clinical testing. Allele origin: germline. Affected: yes. Observed: 1 variant allele.

Breakthrough Genomics
Classification: Uncertain significance. Review status: criteria provided, single submitter. Criteria: ACMG Guidelines, 2015. Collection method: not provided. Allele origin: germline. Inheritance: Autosomal dominant inheritance. Affected: yes.

NM_001199753.2(CPT1C):c.863G>A (p.Arg288His)

Gene: CPT1C (carnitine palmitoyltransferase 1C; plus strand). Cytogenetic location: 19q13.33.
Variant type: single nucleotide variant.
Coding change: c.863G>A on transcript NM_001199753.2 (MANE Select); coding-DNA position 863, G replaced by A.
Protein change: p.Arg288His; replaces arginine 288 with histidine.
Molecular consequence: missense variant. On other transcripts: non-coding transcript variant (1).
Genome position (GRCh38, 1-based): chr19:49,705,098, G>A. VCF-style: chr19-49705098-G-A. GRCh37 (hg19) VCF-style: chr19-50208355-G-A.
Other names: c.863G>A (NM_001199752.1); c.830G>A, p.Arg277His (NM_001136052.3, NM_001378482.1, NM_001378485.1 and 1 more transcripts); c.863G>A, p.Arg288His (NM_001199752.3, NM_001378483.1, NM_001378484.1 and 3 more transcripts); short protein forms R277H, R288H.
Identifiers: ClinVar variation 808619 (VCV000808619.50), dbSNP rs143361095, ClinGen allele CA9581983.